The following is an entry in ClinVar:

ClinVar aggregate classification (germline): Uncertain significance (1 of 4 stars; one submission).

gnomAD v4.1: 11 of 1,613,166 alleles (0.00068%); highest among the groups gnomAD compares: East Asian, 0.0045%; no homozygotes.

Submission:

Labcorp Genetics (formerly Invitae), Labcorp
Classification: Uncertain significance. Last evaluated: 2025-02-05. Review status: criteria provided, single submitter. Criteria: Invitae Variant Classification Sherloc (09022015). Collection method: clinical testing. Allele origin: germline.
Comment: This sequence change replaces arginine, which is basic and polar, with glutamine, which is neutral and polar, at codon 613 of the PLEKHM2 protein (p.Arg613Gln). This variant is present in population databases (rs747333897, gnomAD 0.003%). This variant has not been reported in the literature in individuals affected with PLEKHM2-related conditions. ClinVar contains an entry for this variant (Variation ID: 2164209). An algorithm developed to predict the effect of missense changes on protein structure and function outputs the following: PolyPhen-2: "Benign". The glutamine amino acid residue is found in multiple mammalian species, which suggests that this missense change does not adversely affect protein function. In summary, the available evidence is currently insufficient to determine the role of this variant in disease. Therefore, it has been classified as a Variant of Uncertain Significance.

NM_015164.4(PLEKHM2):c.1838G>A (p.Arg613Gln)

Gene: PLEKHM2 (pleckstrin homology and RUN domain containing M2; plus strand). Cytogenetic location: 1p36.21.
Variant type: single nucleotide variant.
Coding change: c.1838G>A on transcript NM_015164.4 (MANE Select); coding-DNA position 1838, G replaced by A.
Protein change: p.Arg613Gln; replaces arginine 613 with glutamine.
Molecular consequence: missense variant.
Genome position (GRCh38, 1-based): chr1:15,728,274, G>A. VCF-style: chr1-15728274-G-A. GRCh37 (hg19) VCF-style: chr1-16054769-G-A.
Other names: c.1778G>A, p.Arg593Gln (NM_001410755.1); short protein forms R593Q, R613Q.
Identifiers: ClinVar variation 2164209 (VCV002164209.4), dbSNP rs747333897, ClinGen allele CA617042.